The following is an entry in ClinVar:

NM_001042492.3(NF1):c.2407del (p.Gln803fs)

Gene: NF1 (neurofibromin 1; plus strand). Cytogenetic location: 17q11.2.
Variant type: Deletion.
Coding change: c.2407del on transcript NM_001042492.3 (MANE Select); coding-DNA position 2407, one base deleted (C; older notation c.2407delC).
Protein change: p.Gln803fs; shifts the reading frame from glutamine 803.
Molecular consequence: frameshift variant.
Genome position (GRCh38, 1-based): chr17:31,227,604, C deleted; the last of 2 consecutive C bases (chr17:31,227,603-31,227,604); deleting either gives the same sequence. VCF-style (leftmost placement, unchanged base first): chr17-31227602-GC-G. GRCh37 (hg19) VCF-style: chr17-29554620-GC-G.
Other names: c.2407delC, p.Gln803Argfs (NM_000267.4); c.2407delC (NM_000267.3); short protein forms Q803fs.
Identifiers: ClinVar variation 2910418 (VCV002910418.4), dbSNP rs2508171874, ClinGen allele CA2695225349.

ClinVar aggregate classification (germline): Pathogenic. Review status: criteria provided, multiple submitters, no conflicts (2 of 4 stars). 2 submissions from 2 submitters: Pathogenic (2). Last evaluated 2026-04-02.

Conditions:
Cardiovascular phenotype. Identifiers: MedGen CN230736.
Hereditary cancer-predisposing syndrome. Also called: Hereditary neoplastic syndrome; Neoplastic Syndromes, Hereditary; Tumor predisposition; Hereditary Cancer Syndrome. Identifiers: Orphanet 140162, MedGen C0027672, MeSH D009386, MONDO:0015356.
Neurofibromatosis, type 1 (NF1). Also called: Peripheral type neurofibromatosis; NEUROFIBROMATOSIS, TYPE I, SOMATIC; Neurofibromatosis, type I; VON RECKLINGHAUSEN DISEASE. Identifiers: Orphanet 636, MedGen C0027831, MONDO:0018975, OMIM 162200. Disease mechanism: loss of function.

Submissions (2):

Ambry Genetics
Classification: Pathogenic for Cardiovascular phenotype; Hereditary cancer-predisposing syndrome. Last evaluated: 2026-04-02. Review status: criteria provided, single submitter. Criteria: Ambry Variant Classification Scheme 2023. Collection method: clinical testing. Allele origin: germline.
Comment: The c.2407delC pathogenic mutation, located in coding exon 20 of the NF1 gene, results from a deletion of one nucleotide at nucleotide position 2407, causing a translational frameshift with a predicted alternate stop codon (p.Q803Rfs*18). This variant was reported in individual(s) with features consistent with Neurofibromatosis type I (Anastasaki C et al. Neurol Genet, 2017 Oct;3:e192; Xu M et al. Front Genet, 2018 Jul;9:270; Ambry internal data). This variant is considered to be rare based on population cohorts in the Genome Aggregation Database (gnomAD). This alteration is expected to result in loss of function by premature protein truncation or nonsense-mediated mRNA decay. As such, this alteration is interpreted as a disease-causing mutation.

Labcorp Genetics (formerly Invitae), Labcorp
Classification: Pathogenic for Neurofibromatosis, type 1. Last evaluated: 2023-04-14. Review status: criteria provided, single submitter. Criteria: Invitae Variant Classification Sherloc (09022015). Collection method: clinical testing. Allele origin: germline.
Comment: For these reasons, this variant has been classified as Pathogenic. This premature translational stop signal has been observed in individual(s) with neurofibromatosis type 1 (PMID: 28955729). This variant is not present in population databases (gnomAD no frequency). This sequence change creates a premature translational stop signal (p.Gln803Argfs*18) in the NF1 gene. It is expected to result in an absent or disrupted protein product. Loss-of-function variants in NF1 are known to be pathogenic (PMID: 10712197, 23913538).

Literature cited by the submitters: PubMed 28955729 (cited by Ambry Genetics and Labcorp Genetics (formerly Invitae), Labcorp); PubMed 30087692 (cited by Ambry Genetics); PubMed 10712197 (cited by Labcorp Genetics (formerly Invitae), Labcorp); PubMed 23913538 (cited by Labcorp Genetics (formerly Invitae), Labcorp).